The following is an entry in ClinVar:

NM_001042492.3(NF1):c.889-1G>T

Gene: NF1 (neurofibromin 1; plus strand). Cytogenetic location: 17q11.2.
Variant type: single nucleotide variant.
Coding change: c.889-1G>T on transcript NM_001042492.3 (MANE Select); the canonical splice acceptor site of the intron before coding-DNA position 889, G replaced by T.
Molecular consequence: splice acceptor variant.
Genome position (GRCh38, 1-based): chr17:31,200,421, G>T. VCF-style: chr17-31200421-G-T. GRCh37 (hg19) VCF-style: chr17-29527439-G-T.
Other names: c.889-1G>T (NM_000267.4, NM_001128147.3).
Identifiers: ClinVar variation 141131 (VCV000141131.6), dbSNP rs587781517, ClinGen allele CA164555.

ClinVar aggregate classification (germline): Pathogenic/Likely pathogenic. Review status: criteria provided, multiple submitters, no conflicts (2 of 4 stars). 2 submissions from 2 submitters: Pathogenic (1); Likely pathogenic (1). Last evaluated 2023-04-06.

Conditions:
Hereditary cancer-predisposing syndrome. Also called: Neoplastic Syndromes, Hereditary; Hereditary Cancer Syndrome; Hereditary neoplastic syndrome; Tumor predisposition. Identifiers: Orphanet 140162, MedGen C0027672, MeSH D009386, MONDO:0015356.
Neurofibromatosis, type 1 (NF1). Also called: VON RECKLINGHAUSEN DISEASE; Neurofibromatosis, type I; NEUROFIBROMATOSIS, TYPE I, SOMATIC; Peripheral type neurofibromatosis. Identifiers: Orphanet 636, MedGen C0027831, MONDO:0018975, OMIM 162200. Disease mechanism: loss of function.

Submissions (2):

Labcorp Genetics (formerly Invitae), Labcorp
Classification: Pathogenic for Neurofibromatosis, type 1. Last evaluated: 2023-04-06. Review status: criteria provided, single submitter. Criteria: Invitae Variant Classification Sherloc (09022015). Collection method: clinical testing. Allele origin: germline.
Comment: Algorithms developed to predict the effect of sequence changes on RNA splicing suggest that this variant may disrupt the consensus splice site. This sequence change affects an acceptor splice site in intron 8 of the NF1 gene. It is expected to disrupt RNA splicing. Variants that disrupt the donor or acceptor splice site typically lead to a loss of protein function (PMID: 16199547), and loss-of-function variants in NF1 are known to be pathogenic (PMID: 10712197, 23913538). This variant is not present in population databases (gnomAD no frequency). Disruption of this splice site has been observed in individuals with clinical features of neurofibromatosis type 1 (PMID: 10076878, 30308447). ClinVar contains an entry for this variant (Variation ID: 141131). For these reasons, this variant has been classified as Pathogenic.

Ambry Genetics
Classification: Likely pathogenic for Hereditary cancer-predisposing syndrome. Last evaluated: 2014-02-21. Review status: criteria provided, single submitter. Criteria: Ambry Autosomal Dominant and X-Linked criteria (10/2015). Collection method: clinical testing. Allele origin: germline. Observed: 1 variant allele.
Comment: The c.889-1G>T intronic variant results from a G to T substitution one nucleotide before coding exon 9 of the NF1 gene. This alteration has not been reported in published literature to date; however, a different alteration at the same nucleotide position, c.889-1G>C, was previously reported in an NF1 patient (Baralle D and Baralle M J. Med. Genet. 2005; 42:737-48). This variant was not reported in population-based cohorts in the following databases: Database of Single Nucleotide Polymorphisms (dbSNP), NHLBI Exome Sequencing Project (ESP) and 1000 Genomes Project. Based on nucleotide sequence alignment, this position is highly conserved in available vertebrate species. Using the BDGP splice site prediction tool, this alteration is predicted to abolish the native acceptor splice site; however, direct evidence is unavailable. Alterations that disrupt the canonical splice acceptor site are typically deleterious in nature (ACMG Recommendations for Standards for Interpretation and Reporting of Sequence Variations. Revision 2007. Genet Med. 2008;10:294). As such, the c.889-1G>T variant is classified as likely pathogenic.

Literature cited by the submitters: PubMed 16199547 (cited by Labcorp Genetics (formerly Invitae), Labcorp and Ambry Genetics); PubMed 10712197 (cited by Labcorp Genetics (formerly Invitae), Labcorp); PubMed 23913538 (cited by Labcorp Genetics (formerly Invitae), Labcorp); PubMed 10076878 (cited by Labcorp Genetics (formerly Invitae), Labcorp and Ambry Genetics); PubMed 30308447 (cited by Labcorp Genetics (formerly Invitae), Labcorp); PubMed 18546366 (cited by Ambry Genetics).